The following is an entry in ClinVar:

NM_020708.5(SLC12A5):c.2511G>T (p.Met837Ile)

Gene: SLC12A5 (solute carrier family 12 member 5; plus strand). Cytogenetic location: 20q13.12.
Variant type: single nucleotide variant.
Coding change: c.2511G>T on transcript NM_020708.5 (MANE Select); coding-DNA position 2511, G replaced by T.
Protein change: p.Met837Ile; replaces methionine 837 with isoleucine.
Molecular consequence: missense variant.
Genome position (GRCh38, 1-based): chr20:46,053,090, G>T. VCF-style: chr20-46053090-G-T. GRCh37 (hg19) VCF-style: chr20-44681729-G-T.
Other names: c.2580G>T, p.Met860Ile (NM_001134771.2); short protein forms M837I, M860I.
Identifiers: ClinVar variation 1054421 (VCV001054421.9), dbSNP rs1251560492, ClinGen allele CA409205251.

ClinVar aggregate classification (germline): Uncertain significance (1 of 4 stars; one submission).

Conditions:
Developmental and epileptic encephalopathy, 34 (DEE34). Also called: SLC12A5-Related Epilepsy of Infancy with Migrating Focal Seizures; Early infantile epileptic encephalopathy 34. Identifiers: Orphanet 293181, MedGen C4225257, MONDO:0014718, OMIM 616645.

Submission:

Labcorp Genetics (formerly Invitae), Labcorp
Classification: Uncertain significance for Developmental and epileptic encephalopathy, 34. Last evaluated: 2020-06-06. Review status: criteria provided, single submitter. Criteria: Invitae Variant Classification Sherloc (09022015). Collection method: clinical testing. Allele origin: germline.
Comment: This sequence change replaces methionine with isoleucine at codon 837 of the SLC12A5 protein (p.Met837Ile). The methionine residue is moderately conserved and there is a small physicochemical difference between methionine and isoleucine. This variant is not present in population databases (ExAC no frequency). This variant has not been reported in the literature in individuals with SLC12A5-related conditions. Algorithms developed to predict the effect of missense changes on protein structure and function (SIFT, PolyPhen-2, Align-GVGD) all suggest that this variant is likely to be tolerated, but these predictions have not been confirmed by published functional studies and their clinical significance is uncertain. In summary, the available evidence is currently insufficient to determine the role of this variant in disease. Therefore, it has been classified as a Variant of Uncertain Significance.